The following is an entry in ClinVar:

NM_000548.5(TSC2):c.1729A>G (p.Thr577Ala)

Gene: TSC2 (TSC complex subunit 2; plus strand). Cytogenetic location: 16p13.3.
Variant type: single nucleotide variant.
Coding change: c.1729A>G on transcript NM_000548.5 (MANE Select); coding-DNA position 1729, A replaced by G.
Protein change: p.Thr577Ala; replaces threonine 577 with alanine.
Molecular consequence: missense variant.
Genome position (GRCh38, 1-based): chr16:2,070,468, A>G. VCF-style: chr16-2070468-A-G. GRCh37 (hg19) VCF-style: chr16-2120469-A-G.
Other names: c.1729A>G, p.Thr577Ala (NM_001370404.1, NM_001370405.1, NM_021055.3 and 3 more transcripts); c.1618A>G, p.Thr540Ala (NM_001318827.2); c.1582A>G, p.Thr528Ala (NM_001318829.2); c.1129A>G, p.Thr377Ala (NM_001318831.2); c.1762A>G, p.Thr588Ala (NM_001318832.2); short protein forms T577A, T528A, T540A, T377A, T588A.
Identifiers: ClinVar variation 819923 (VCV000819923.17), dbSNP rs1204749633, ClinGen allele CA394272689.

ClinVar aggregate classification (germline): Conflicting classifications of pathogenicity. Review status: criteria provided, conflicting classifications (1 of 4 stars). 5 submissions from 5 submitters: Uncertain significance (2); Likely benign (3). Last evaluated 2024-12-13.

Conditions:
Tuberous sclerosis 2 (TSC2). Identifiers: Orphanet 805, MedGen C1860707, MONDO:0013199, OMIM 613254.
Hereditary cancer-predisposing syndrome. Also called: Hereditary Cancer Syndrome; Neoplastic Syndromes, Hereditary; Hereditary neoplastic syndrome; Tumor predisposition. Identifiers: Orphanet 140162, MedGen C0027672, MeSH D009386, MONDO:0015356.

Allele frequency attached by ClinVar (database versions not stated): gnomAD exomes 0.00001.
gnomAD v4.1: 3 of 1,613,162 alleles (0.00019%); highest among the groups gnomAD compares: East Asian, 0.0022%; no homozygotes.

Submissions (5):

Labcorp Genetics (formerly Invitae), Labcorp
Classification: Likely benign for Tuberous sclerosis 2. Last evaluated: 2024-12-13. Review status: criteria provided, single submitter. Criteria: Invitae Variant Classification Sherloc (09022015). Collection method: clinical testing. Allele origin: germline.

GeneDx
Classification: Uncertain significance. Last evaluated: 2023-03-08. Review status: criteria provided, single submitter. Criteria: GeneDx Variant Classification Process June 2021. Collection method: clinical testing. Allele origin: germline. Affected: yes.
Comment: In silico analysis supports that this missense variant does not alter protein structure/function; Has not been previously published as pathogenic or benign to our knowledge

Genome-Nilou Lab
Classification: Likely benign for Tuberous sclerosis 2. Last evaluated: 2021-11-07. Review status: criteria provided, single submitter. Criteria: ACMG Guidelines, 2015. Collection method: clinical testing. Allele origin: germline. Affected: no.

Sema4
Classification: Uncertain significance for Hereditary cancer-predisposing syndrome. Last evaluated: 2021-06-04. Review status: criteria provided, single submitter. Criteria: Sema4 Curation Guidelines. Collection method: curation. Allele origin: germline.
Comment: The TSC2 c.1729A>G (p.T577A) variant has not been reported in the literature to our knowledge. It was observed in 1/113046 chromosomes of the European (non-Finnish) subpopulation in the large and broad cohorts of the Genome Aggregation Database (PMID: 32461654) and has been reported in ClinVar (Variation ID 819923). In silico tools suggest the impact of the variant on protein function is inconclusive, though these predictions have not been confirmed by functional studies. The evidence is insufficient to meet ACMG/AMP criteria for classifying the variant as benign or pathogenic. Thus, the clinical significance of this variant is currently uncertain.

Ambry Genetics
Classification: Likely benign for Hereditary cancer-predisposing syndrome. Last evaluated: 2019-02-14. Review status: criteria provided, single submitter. Criteria: Ambry Variant Classification Scheme 2023. Collection method: clinical testing. Allele origin: germline.